The following is an entry in ClinVar:

NM_153240.5(NPHP3):c.3805G>A (p.Val1269Met)

Genes: NPHP3 (nephrocystin 3; minus strand), NPHP3-ACAD11 (NPHP3-ACAD11 readthrough (NMD candidate); minus strand). Cytogenetic location: 3q22.1.
Variant type: single nucleotide variant.
Coding change: c.3805G>A on transcript NM_153240.5 (MANE Select); coding-DNA position 3805, G replaced by A.
Protein change: p.Val1269Met; replaces valine 1269 with methionine.
Molecular consequence: missense variant. On other transcripts: non-coding transcript variant (1).
Genome position (GRCh38, 1-based): chr3:132,682,710, C>T on the plus strand (G>A on the coding strand, the complement: NPHP3 is on the minus strand). VCF-style: chr3-132682710-C-T. GRCh37 (hg19) VCF-style: chr3-132401554-C-T.
Other names: short protein forms V1269M.
Identifiers: ClinVar variation 942300 (VCV000942300.10), dbSNP rs150019603, ClinGen allele CA83580863.

ClinVar aggregate classification (germline): Uncertain significance. Review status: criteria provided, multiple submitters, no conflicts (2 of 4 stars). 2 submissions from 2 submitters: Uncertain significance (2). Last evaluated 2023-11-27.

Conditions:
Renal-hepatic-pancreatic dysplasia 1 (RHPD1). Identifiers: MedGen C3715199, MONDO:0008833, OMIM 208540.
NPHP3-related Meckel-like syndrome. Also called: Meckel syndrome type 7; GOLDSTON SYNDROME. Identifiers: Orphanet 3032, MedGen C2673885, MONDO:0009966, OMIM 267010.
Nephronophthisis 3 (NPHP3). Also called: Adolescent nephronophthisis. Identifiers: Orphanet 655, MedGen C1858392, MONDO:0011456, OMIM 604387.
Nephronophthisis. Also called: Juvenile Nephronophthisis. Identifiers: Orphanet 655, MedGen C0687120, MONDO:0019005, HP:0000090.

Allele frequency attached by ClinVar (database versions not stated): gnomAD exomes below 0.00001; gnomAD 0.00001; TOPMed 0.00001; ESP Exome Variant Server 0.00008.

Submissions (2):

Labcorp Genetics (formerly Invitae), Labcorp
Classification: Uncertain significance for Nephronophthisis. Last evaluated: 2023-11-27. Review status: criteria provided, single submitter. Criteria: Invitae Variant Classification Sherloc (09022015). Collection method: clinical testing. Allele origin: germline.
Comment: This sequence change replaces valine, which is neutral and non-polar, with methionine, which is neutral and non-polar, at codon 1269 of the NPHP3 protein (p.Val1269Met). This variant is present in population databases (rs150019603, gnomAD 0.01%). This variant has not been reported in the literature in individuals affected with NPHP3-related conditions. ClinVar contains an entry for this variant (Variation ID: 942300). Advanced modeling of protein sequence and biophysical properties (such as structural, functional, and spatial information, amino acid conservation, physicochemical variation, residue mobility, and thermodynamic stability) has been performed at Invitae for this missense variant, however the output from this modeling did not meet the statistical confidence thresholds required to predict the impact of this variant on NPHP3 protein function. In summary, the available evidence is currently insufficient to determine the role of this variant in disease. Therefore, it has been classified as a Variant of Uncertain Significance.

Fulgent Genetics
Classification: Uncertain significance for Renal-hepatic-pancreatic dysplasia 1; NPHP3-related Meckel-like syndrome; Nephronophthisis 3. Last evaluated: 2021-08-16. Review status: criteria provided, single submitter. Criteria: ACMG Guidelines, 2015. Collection method: clinical testing. Allele origin: unknown.